The following is an entry in ClinVar:

ClinVar aggregate classification (germline): Uncertain significance (1 of 4 stars; one submission).

Conditions:
Fanconi anemia complementation group Q. Identifiers: Orphanet 84, MedGen C3808988, MONDO:0014108, OMIM 615272.
Xeroderma pigmentosum, group F (XPF). Also called: ERCC4-Related Xeroderma Pigmentosum; XERODERMA PIGMENTOSUM, TYPE F; Xeroderma pigmentosum, type 6; XERODERMA PIGMENTOSUM, COMPLEMENTATION GROUP F; XERODERMA PIGMENTOSUM VI; XP, GROUP F. Identifiers: MedGen C0268140, MONDO:0010215, OMIM 278760.
Cockayne syndrome. Identifiers: Orphanet 191, MedGen C0009207, MONDO:0016006.

Allele frequency attached by ClinVar (database versions not stated): gnomAD exomes 0.00001.
gnomAD v4.1: 6 of 1,612,082 alleles (0.00037%); highest among the groups gnomAD compares: Non-Finnish European, 0.00051%; no homozygotes.

Submission:

Labcorp Genetics (formerly Invitae), Labcorp
Classification: Uncertain significance for Fanconi anemia complementation group Q; Xeroderma pigmentosum, group F; Cockayne syndrome. Last evaluated: 2022-08-23. Review status: criteria provided, single submitter. Criteria: Invitae Variant Classification Sherloc (09022015). Collection method: clinical testing. Allele origin: germline.
Comment: This variant is not present in population databases (gnomAD no frequency). In summary, the available evidence is currently insufficient to determine the role of this variant in disease. Therefore, it has been classified as a Variant of Uncertain Significance. Algorithms developed to predict the effect of missense changes on protein structure and function output the following: SIFT: "Tolerated"; PolyPhen-2: "Benign"; Align-GVGD: "Class C0". The alanine amino acid residue is found in multiple mammalian species, which suggests that this missense change does not adversely affect protein function. This variant has not been reported in the literature in individuals affected with ERCC4-related conditions. This sequence change replaces threonine, which is neutral and polar, with alanine, which is neutral and non-polar, at codon 667 of the ERCC4 protein (p.Thr667Ala).

NM_005236.3(ERCC4):c.1999A>G (p.Thr667Ala)

Gene: ERCC4 (ERCC excision repair 4, endonuclease catalytic subunit; plus strand). Cytogenetic location: 16p13.12.
Variant type: single nucleotide variant.
Coding change: c.1999A>G on transcript NM_005236.3 (MANE Select); coding-DNA position 1999, A replaced by G.
Protein change: p.Thr667Ala; replaces threonine 667 with alanine.
Molecular consequence: missense variant.
Genome position (GRCh38, 1-based): chr16:13,944,817, A>G. VCF-style: chr16-13944817-A-G. GRCh37 (hg19) VCF-style: chr16-14038674-A-G.
Other names: short protein forms T667A.
Identifiers: ClinVar variation 1976552 (VCV001976552.5), dbSNP rs2543191362, ClinGen allele CA394818155.